The following is an entry in ClinVar:

NM_000059.4(BRCA2):c.5395G>C (p.Ala1799Pro)

Gene: BRCA2 (BRCA2 DNA repair associated; plus strand). Cytogenetic location: 13q13.1.
Variant type: single nucleotide variant.
Coding change: c.5395G>C on transcript NM_000059.4 (MANE Select); coding-DNA position 5395, G replaced by C.
Protein change: p.Ala1799Pro; replaces alanine 1799 with proline.
Molecular consequence: missense variant. On other transcripts: non-coding transcript variant (1), intron variant (2).
Genome position (GRCh38, 1-based): chr13:32,339,750, G>C. VCF-style: chr13-32339750-G-C. GRCh37 (hg19) VCF-style: chr13-32913887-G-C.
Other names: c.5395G>C, p.Ala1799Pro (NM_001406719.1, NM_001406720.1, NM_001432077.1); c.1910-4808G>C (NM_001406721.1); c.425-4808G>C (NM_001406722.1); short protein forms A1799P.
Identifiers: ClinVar variation 5033315 (VCV005033315.1).

ClinVar aggregate classification (germline): Uncertain significance (1 of 4 stars; one submission).

Conditions:
Hereditary cancer-predisposing syndrome. Also called: Neoplastic Syndromes, Hereditary; Tumor predisposition; Hereditary neoplastic syndrome; Hereditary Cancer Syndrome. Identifiers: Orphanet 140162, MedGen C0027672, MeSH D009386, MONDO:0015356.

Submission:

Ambry Genetics
Classification: Uncertain significance for Hereditary cancer-predisposing syndrome. Last evaluated: 2026-07-18. Review status: criteria provided, single submitter. Criteria: Ambry Variant Classification Scheme 2023. Collection method: clinical testing. Allele origin: germline.
Comment: The p.A1799P variant (also known as c.5395G>C), located in coding exon 10 of the BRCA2 gene, results from a G to C substitution at nucleotide position 5395. The alanine at codon 1799 is replaced by proline, an amino acid with highly similar properties. This amino acid position is conserved. In addition, this alteration is predicted to be tolerated by in silico analysis. Based on the available evidence, the clinical significance of this variant remains unclear.